The following is an entry in ClinVar:

ClinVar aggregate classification (germline): Uncertain significance (1 of 4 stars; one submission).

Submission:

GeneDx
Classification: Uncertain significance. Last evaluated: 2026-03-13. Review status: criteria provided, single submitter. Criteria: GeneDx Variant Classification Process June 2021. Collection method: clinical testing. Allele origin: germline.
Comment: Not observed at significant frequency in large population cohorts (gnomAD); In silico analysis suggests that this missense variant does not alter protein structure/function; Has not been previously published as pathogenic or benign to our knowledge

NM_001297719.2(BMAL1):c.1738G>A (p.Gly580Ser)

Gene: BMAL1 (basic helix-loop-helix ARNT like 1; plus strand). Cytogenetic location: 11p15.3.
Variant type: single nucleotide variant.
Coding change: c.1738G>A on transcript NM_001297719.2 (MANE Select); coding-DNA position 1738, G replaced by A.
Protein change: p.Gly580Ser; replaces glycine 580 with serine.
Molecular consequence: missense variant. On other transcripts: non-coding transcript variant (7).
Genome position (GRCh38, 1-based): chr11:13,386,613, G>A. VCF-style: chr11-13386613-G-A. GRCh37 (hg19) VCF-style: chr11-13408160-G-A.
Other names: c.1735G>A, p.Gly579Ser (NM_001030272.3, NM_001178.6, NM_001351804.1 and 1 more transcripts); c.1606G>A, p.Gly536Ser (NM_001030273.3, NM_001351818.2); c.1738G>A, p.Gly580Ser (NM_001297722.2, NM_001351824.2); c.1609G>A, p.Gly537Ser (NM_001297724.2, NM_001351808.2, NM_001351816.2 and 3 more transcripts); c.1699G>A, p.Gly567Ser (NM_001351805.2); c.1696G>A, p.Gly566Ser (NM_001351806.2); c.1753G>A, p.Gly585Ser (NM_001351807.2, NM_001351814.2); c.1687G>A, p.Gly563Ser (NM_001351809.2, NM_001351812.2); and 5 more; short protein forms G330S, G537S, G585S, G563S, G567S, G580S, G584S, G536S.
Identifiers: ClinVar variation 5009145 (VCV005009145.1).
Genomic context (GRCh38, chr11:13,386,613, plus strand): 5'-TTTAAAAAAGAAATCACTGACCAGTCTTTATCTCCTCCCACAGGTGAGAACCCCCACATA[G>A]GTATAGACATGATTGACAACGACCAAGGATCAAGTAGTCCCAGTAATGATGAGGCAGCAA-3'
Protein context (NP_001284648.1, residues 570-590): SSILGENPHI[Gly580Ser]IDMIDNDQGS